The following is an entry in ClinVar:

ClinVar aggregate classification (germline): Likely benign (1 of 4 stars; one submission).

Submission:

GeneDx
Classification: Likely benign. Last evaluated: 2023-11-03. Review status: criteria provided, single submitter. Criteria: GeneDx Variant Classification Process June 2021. Collection method: clinical testing. Allele origin: germline. Affected: yes.
Comment: See Variant Classification Assertion Criteria.

NM_016222.4(DDX41):c.571+7_571+8del

Gene: DDX41 (DEAD-box helicase 41; minus strand). Cytogenetic location: 5q35.3.
Variant type: Deletion.
Coding change: c.571+7_571+8del on transcript NM_016222.4 (MANE Select); bases 7 to 8 of the intron after coding-DNA position 571, 2 bases deleted (AG; older notation c.571+7_571+8delAG).
Molecular consequence: intron variant.
Genome position (GRCh38, 1-based): chr5:177,515,677-177,515,678, CT deleted on the plus strand (AG on the coding strand, the reverse complement: DDX41 is on the minus strand). VCF-style (leftmost placement, unchanged base first): chr5-177515676-CCT-C. GRCh37 (hg19) VCF-style: chr5-176942677-CCT-C.
Other names: c.193+7_193+8del (NM_001321830.2, NM_001321732.2).
Identifiers: ClinVar variation 3363265 (VCV003363265.1).